The following is an entry in ClinVar:

ClinVar aggregate classification (germline): Uncertain significance. Review status: criteria provided, single submitter (1 of 4 stars). 2 submissions from 2 submitters: Uncertain significance (1). 1 of the submissions does not count toward it. Last evaluated 2025-12-02.

Conditions:
Mucopolysaccharidosis, MPS-III-D (MPS3D). Also called: MPS III D; Mucopoly-saccharidosis type 3D; N-acetylglucosamine-6-sulfate sulfatase deficiency; MPS 3D; MPS IIID (Sanfilippo Syndrome Type D); N-ACETYLGLUCOSAMINE-6-SULFATASE DEFICIENCY. Identifiers: Orphanet 581, Orphanet 79272, MedGen C0086650, MONDO:0009658, OMIM 252940.
Sanfilippo syndrome. Also called: Sanfilippo disease; Mucopolysaccharidosis type 3; Mucopolysaccharidosis Type III. Identifiers: Orphanet 581, MedGen C0026706, MONDO:0018937.

Allele frequency attached by ClinVar (database versions not stated): gnomAD exomes below 0.00001 and 0.00001; TOPMed below 0.00001.
gnomAD v4.1: 5 of 1,612,980 alleles (0.00031%); highest among the groups gnomAD compares: Admixed American, 0.005%; no homozygotes.

Submissions (2):

Labcorp Genetics (formerly Invitae), Labcorp
Classification: Uncertain significance for Mucopolysaccharidosis, MPS-III-D. Last evaluated: 2025-12-02. Review status: criteria provided, single submitter. Criteria: Invitae Variant Classification Sherloc (09022015). Collection method: clinical testing. Allele origin: germline.
Comment: This sequence change replaces methionine, which is neutral and non-polar, with valine, which is neutral and non-polar, at codon 228 of the GNS protein (p.Met228Val). This variant is present in population databases (no rsID available, gnomAD 0.006%). This variant has not been reported in the literature in individuals affected with GNS-related conditions. ClinVar contains an entry for this variant (Variation ID: 645181). Invitae Evidence Modeling of protein sequence and biophysical properties (such as structural, functional, and spatial information, amino acid conservation, physicochemical variation, residue mobility, and thermodynamic stability) indicates that this missense variant is not expected to disrupt GNS protein function with a negative predictive value of 80%. In summary, the available evidence is currently insufficient to determine the role of this variant in disease. Therefore, it has been classified as a Variant of Uncertain Significance.

Natera, Inc.
Classification: Uncertain significance for Sanfilippo disease. Last evaluated: 2020-12-11. Review status: no assertion criteria provided. Collection method: clinical testing. Allele origin: germline. Not counted in ClinVar's aggregate classification.

NM_002076.4(GNS):c.682A>G (p.Met228Val)

Gene: GNS (glucosamine (N-acetyl)-6-sulfatase; minus strand). Cytogenetic location: 12q14.3.
Variant type: single nucleotide variant.
Coding change: c.682A>G on transcript NM_002076.4 (MANE Select); coding-DNA position 682, A replaced by G.
Protein change: p.Met228Val; replaces methionine 228 with valine.
Molecular consequence: missense variant.
Genome position (GRCh38, 1-based): chr12:64,743,251, T>C on the plus strand (A>G on the coding strand, the complement: GNS is on the minus strand). VCF-style: chr12-64743251-T-C. GRCh37 (hg19) VCF-style: chr12-65137031-T-C.
Other names: short protein forms M228V.
Identifiers: ClinVar variation 645181 (VCV000645181.5), dbSNP rs1338194520, ClinGen allele CA385609155.